The following is an entry in ClinVar:

ClinVar aggregate classification (germline): Uncertain significance (1 of 4 stars; one submission).

Allele frequency attached by ClinVar (database versions not stated): TOPMed 0.00002; ExAC 0.00003; gnomAD 0.00003; gnomAD exomes 0.00002; ESP Exome Variant Server 0.00008.
gnomAD v4.1: 34 of 1,613,824 alleles (0.0021%); highest among the groups gnomAD compares: Admixed American, 0.018%; no homozygotes.

Submission:

Labcorp Genetics (formerly Invitae), Labcorp
Classification: Uncertain significance. Last evaluated: 2025-10-17. Review status: criteria provided, single submitter. Criteria: Invitae Variant Classification Sherloc (09022015). Collection method: clinical testing. Allele origin: germline.
Comment: This sequence change replaces phenylalanine, which is neutral and non-polar, with valine, which is neutral and non-polar, at codon 398 of the CETP protein (p.Phe398Val). This variant is present in population databases (rs369075950, gnomAD 0.01%). This variant has not been reported in the literature in individuals affected with CETP-related conditions. ClinVar contains an entry for this variant (Variation ID: 2694893). Invitae Evidence Modeling of protein sequence and biophysical properties (such as structural, functional, and spatial information, amino acid conservation, physicochemical variation, residue mobility, and thermodynamic stability) indicates that this missense variant is not expected to disrupt CETP protein function with a negative predictive value of 80%. In summary, the available evidence is currently insufficient to determine the role of this variant in disease. Therefore, it has been classified as a Variant of Uncertain Significance.

NM_000078.3(CETP):c.1192T>G (p.Phe398Val)

Gene: CETP (cholesteryl ester transfer protein; plus strand). Cytogenetic location: 16q13.
Variant type: single nucleotide variant.
Coding change: c.1192T>G on transcript NM_000078.3 (MANE Select); coding-DNA position 1192, T replaced by G.
Protein change: p.Phe398Val; replaces phenylalanine 398 with valine.
Molecular consequence: missense variant.
Genome position (GRCh38, 1-based): chr16:56,981,203, T>G. VCF-style: chr16-56981203-T-G. GRCh37 (hg19) VCF-style: chr16-57015115-T-G.
Other names: c.1012T>G, p.Phe338Val (NM_001286085.2); short protein forms F398V, F338V.
Identifiers: ClinVar variation 2694893 (VCV002694893.3), dbSNP rs369075950, ClinGen allele CA8071265.